The following is an entry in ClinVar:

ClinVar aggregate classification (germline): Likely benign. Review status: criteria provided, multiple submitters, no conflicts (2 of 4 stars). 3 submissions from 3 submitters: Likely benign (2). 1 of the submissions does not count toward it. Last evaluated 2024-12-01.

Conditions:
TBC1D23-related disorder. Also called: TBC1D23-related condition.

Allele frequency attached by ClinVar (database versions not stated): ExAC 0.00022; gnomAD 0.00030; TOPMed 0.00036; gnomAD exomes 0.00044.
gnomAD v4.1: 693 of 1,613,828 alleles (0.043%); highest among the groups gnomAD compares: Non-Finnish European, 0.054%; 1 homozygote.

Submissions (3):

CeGaT Center for Human Genetics Tuebingen
Classification: Likely benign. Last evaluated: 2024-12-01. Review status: criteria provided, single submitter. Criteria: CeGaT Center For Human Genetics Tuebingen Variant Classification Criteria Version 2. Collection method: clinical testing. Allele origin: germline. Affected: yes. Observed: 2 variant alleles.
Comment: TBC1D23: BP4, BP7

Blueprint Genetics
Classification: Likely benign. Last evaluated: 2024-08-27. Review status: criteria provided, single submitter. Criteria: ACMG Guidelines, 2015. Collection method: clinical testing. Allele origin: germline.

PreventionGenetics, part of Exact Sciences
Classification: Likely benign for TBC1D23-related condition. Last evaluated: 2019-08-12. Review status: no assertion criteria provided. Collection method: clinical testing. Allele origin: germline. Not counted in ClinVar's aggregate classification.
Comment: This variant is classified as likely benign based on ACMG/AMP sequence variant interpretation guidelines (Richards et al. 2015 PMID: 25741868, with internal and published modifications).

NM_001199198.3(TBC1D23):c.324A>G (p.Glu108=)

Gene: TBC1D23 (TBC1 domain family member 23; plus strand). Cytogenetic location: 3q12.1.
Variant type: single nucleotide variant.
Coding change: c.324A>G on transcript NM_001199198.3 (MANE Select); coding-DNA position 324, A replaced by G.
Protein change: p.Glu108=; no amino-acid change (glutamic acid 108 retained).
Molecular consequence: synonymous variant.
Genome position (GRCh38, 1-based): chr3:100,283,659, A>G. VCF-style: chr3-100283659-A-G. GRCh37 (hg19) VCF-style: chr3-100002503-A-G.
Other names: c.324A>G, p.Glu108= (NM_018309.5); c.324A>G (NM_018309.4).
Identifiers: ClinVar variation 2654003 (VCV002654003.26), dbSNP rs540028785, ClinGen allele CA2514395.